The following is an entry in ClinVar:

ClinVar aggregate classification (germline): Uncertain significance (1 of 4 stars; one submission).

gnomAD v4.1: 7 of 1,612,518 alleles (0.00043%); highest among the groups gnomAD compares: Admixed American, 0.0067%; no homozygotes.

Submission:

Labcorp Genetics (formerly Invitae), Labcorp
Classification: Uncertain significance. Last evaluated: 2025-03-22. Review status: criteria provided, single submitter. Criteria: Invitae Variant Classification Sherloc (09022015). Collection method: clinical testing. Allele origin: germline.
Comment: This sequence change replaces histidine, which is basic and polar, with arginine, which is basic and polar, at codon 2130 of the ASPM protein (p.His2130Arg). This variant is present in population databases (rs770517536, gnomAD 0.009%). This variant has not been reported in the literature in individuals affected with ASPM-related conditions. Invitae Evidence Modeling of protein sequence and biophysical properties (such as structural, functional, and spatial information, amino acid conservation, physicochemical variation, residue mobility, and thermodynamic stability) indicates that this missense variant is not expected to disrupt ASPM protein function with a negative predictive value of 80%. In summary, the available evidence is currently insufficient to determine the role of this variant in disease. Therefore, it has been classified as a Variant of Uncertain Significance.

NM_018136.5(ASPM):c.6389A>G (p.His2130Arg)

Gene: ASPM (assembly factor for spindle microtubules; minus strand). Cytogenetic location: 1q31.3.
Variant type: single nucleotide variant.
Coding change: c.6389A>G on transcript NM_018136.5 (MANE Select); coding-DNA position 6389, A replaced by G.
Protein change: p.His2130Arg; replaces histidine 2130 with arginine.
Molecular consequence: missense variant. On other transcripts: intron variant (1).
Genome position (GRCh38, 1-based): chr1:197,102,862, T>C on the plus strand (A>G on the coding strand, the complement: ASPM is on the minus strand). VCF-style: chr1-197102862-T-C. GRCh37 (hg19) VCF-style: chr1-197071992-T-C.
Other names: c.4066-6698A>G (NM_001206846.2); short protein forms H2130R.
Identifiers: ClinVar variation 4707398 (VCV004707398.1).
Genomic context (GRCh38, chr1:197,102,862, plus strand): 5'-CATCTTACTTGAATAACAATAGCTGCTTTTCTCATTGTATGGTAACTTATTCTTGACTGA[T>C]GCATTTTAAACATGGCTTTAATAAAAGTGGCTGCCCTGTGCATGTGTTGAATATGTCTTC-3'
Protein context (NP_060606.3, residues 2120-2140): ATFIKAMFKM[His2130Arg]QSRISYHTMR